The following is an entry in ClinVar:

ClinVar aggregate classification (germline): Uncertain significance (1 of 4 stars; one submission).

Allele frequency attached by ClinVar (database versions not stated): gnomAD 0.00003 and 0.00004; TOPMed 0.00006.
gnomAD v4.1: 67 of 1,612,562 alleles (0.0042%); highest among the groups gnomAD compares: Middle Eastern, 0.016%; no homozygotes.

Submission:

Labcorp Genetics (formerly Invitae), Labcorp
Classification: Uncertain significance. Last evaluated: 2024-12-02. Review status: criteria provided, single submitter. Criteria: Invitae Variant Classification Sherloc (09022015). Collection method: clinical testing. Allele origin: germline.
Comment: This sequence change replaces valine, which is neutral and non-polar, with alanine, which is neutral and non-polar, at codon 731 of the GGCX protein (p.Val731Ala). This variant is present in population databases (rs752348969, gnomAD 0.01%). This variant has not been reported in the literature in individuals affected with GGCX-related conditions. ClinVar contains an entry for this variant (Variation ID: 1512188). An algorithm developed to predict the effect of missense changes on protein structure and function outputs the following: PolyPhen-2: "Benign". The alanine amino acid residue is found in multiple mammalian species, which suggests that this missense change does not adversely affect protein function. In summary, the available evidence is currently insufficient to determine the role of this variant in disease. Therefore, it has been classified as a Variant of Uncertain Significance.

NM_000821.7(GGCX):c.2192T>C (p.Val731Ala)

Gene: GGCX (gamma-glutamyl carboxylase; minus strand). Cytogenetic location: 2p11.2.
Variant type: single nucleotide variant.
Coding change: c.2192T>C on transcript NM_000821.7 (MANE Select); coding-DNA position 2192, T replaced by C.
Protein change: p.Val731Ala; replaces valine 731 with alanine.
Molecular consequence: missense variant.
Genome position (GRCh38, 1-based): chr2:85,550,019, A>G on the plus strand (T>C on the coding strand, the complement: GGCX is on the minus strand). VCF-style: chr2-85550019-A-G. GRCh37 (hg19) VCF-style: chr2-85777142-A-G.
Other names: c.2021T>C, p.Val674Ala (NM_001142269.4); short protein forms V731A, V674A.
Identifiers: ClinVar variation 1512188 (VCV001512188.4), dbSNP rs752348969, ClinGen allele CA1741611.